The following is an entry in ClinVar:

ClinVar aggregate classification (germline): Uncertain significance (1 of 4 stars; one submission).

Conditions:
Ataxia-telangiectasia syndrome (AT). Also called: Ataxia telangiectasia (A-T); LOUIS-BAR SYNDROME; Cerebello-oculocutaneous telangiectasia; Immunodeficiency with ataxia telangiectasia; Ataxia-telangiectasia, complementation group D; AT, COMPLEMENTATION GROUP C. Identifiers: Orphanet 100, MedGen C0004135, MONDO:0008840, OMIM 208900.

Submission:

Labcorp Genetics (formerly Invitae), Labcorp
Classification: Uncertain significance for Ataxia-telangiectasia syndrome. Last evaluated: 2024-09-08. Review status: criteria provided, single submitter. Criteria: Invitae Variant Classification Sherloc (09022015). Collection method: clinical testing. Allele origin: germline.
Comment: This sequence change replaces leucine, which is neutral and non-polar, with arginine, which is basic and polar, at codon 1842 of the ATM protein (p.Leu1842Arg). This variant is not present in population databases (gnomAD no frequency). This variant has not been reported in the literature in individuals affected with ATM-related conditions. ClinVar contains an entry for this variant (Variation ID: 407588). An algorithm developed to predict the effect of missense changes on protein structure and function (PolyPhen-2) suggests that this variant is likely to be disruptive. In summary, the available evidence is currently insufficient to determine the role of this variant in disease. Therefore, it has been classified as a Variant of Uncertain Significance.

NM_000051.4(ATM):c.5525T>G (p.Leu1842Arg)

Gene: ATM (ATM serine/threonine kinase; plus strand). Cytogenetic location: 11q22.3.
Variant type: single nucleotide variant.
Coding change: c.5525T>G on transcript NM_000051.4 (MANE Select); coding-DNA position 5525, T replaced by G.
Protein change: p.Leu1842Arg; replaces leucine 1842 with arginine.
Molecular consequence: missense variant.
Genome position (GRCh38, 1-based): chr11:108,304,703, T>G. VCF-style: chr11-108304703-T-G. GRCh37 (hg19) VCF-style: chr11-108175430-T-G.
Other names: c.5525T>G, p.Leu1842Arg (NM_001351834.2); short protein forms L1842R.
Identifiers: ClinVar variation 407588 (VCV000407588.8), dbSNP rs1060501619, ClinGen allele CA16613160.